The following is an entry in ClinVar:

ClinVar aggregate classification (germline): Conflicting classifications of pathogenicity. Review status: criteria provided, conflicting classifications (1 of 4 stars). 5 submissions from 5 submitters: Uncertain significance (1); Likely benign (3). 1 of the submissions does not count toward it. Last evaluated 2026-07-01.

Conditions:
NPC1-related disorder. Also called: NPC1-related condition.
Niemann-Pick disease, type C1. Also called: NEUROVISCERAL STORAGE DISEASE WITH VERTICAL SUPRANUCLEAR OPHTHALMOPLEGIA; NIEMANN-PICK DISEASE WITH CHOLESTEROL ESTERIFICATION BLOCK; NIEMANN-PICK DISEASE WITHOUT SPHINGOMYELINASE DEFICIENCY; NIEMANN-PICK DISEASE, CHRONIC NEURONOPATHIC FORM; NIEMANN-PICK DISEASE, VARIANT TYPE C1. Identifiers: Orphanet 646, MedGen C3179455, MONDO:0009757, OMIM 257220.

Allele frequency attached by ClinVar (database versions not stated): gnomAD 0.00001; ExAC 0.00007; gnomAD exomes 0.00008; TOPMed 0.00009.
gnomAD v4.1: 61 of 1,614,018 alleles (0.0038%); highest among the groups gnomAD compares: East Asian, 0.04%; no homozygotes.

Submissions (5):

CeGaT Center for Human Genetics Tuebingen
Classification: Likely benign. Last evaluated: 2026-07-01. Review status: criteria provided, single submitter. Criteria: CeGaT Center For Human Genetics Tuebingen Variant Classification Criteria Version 2. Collection method: clinical testing. Allele origin: germline. Affected: yes. Observed: 2 variant alleles.
Comment: NPC1: BP4, BP7

Labcorp Genetics (formerly Invitae), Labcorp
Classification: Likely benign for Niemann-Pick disease, type C1. Last evaluated: 2025-12-22. Review status: criteria provided, single submitter. Criteria: Invitae Variant Classification Sherloc (09022015). Collection method: clinical testing. Allele origin: germline.

Blueprint Genetics
Classification: Likely benign. Last evaluated: 2024-08-06. Review status: criteria provided, single submitter. Criteria: ACMG Guidelines, 2015. Collection method: clinical testing. Allele origin: germline.

Eurofins Ntd Llc (ga)
Classification: Uncertain significance. Last evaluated: 2018-02-22. Review status: criteria provided, single submitter. Criteria: EGL ClinVar v180209 classification definitions. Collection method: clinical testing. Allele origin: germline. Observed: 2 variant alleles, 2 heterozygotes.

PreventionGenetics, part of Exact Sciences
Classification: Likely benign for NPC1-related condition. Last evaluated: 2023-11-01. Review status: no assertion criteria provided. Collection method: clinical testing. Allele origin: germline. Not counted in ClinVar's aggregate classification.
Comment: This variant is classified as likely benign based on ACMG/AMP sequence variant interpretation guidelines (Richards et al. 2015 PMID: 25741868, with internal and published modifications).

NM_000271.5(NPC1):c.3816C>T (p.Arg1272=)

Gene: NPC1 (NPC intracellular cholesterol transporter 1; minus strand). Cytogenetic location: 18q11.2.
Variant type: single nucleotide variant.
Coding change: c.3816C>T on transcript NM_000271.5 (MANE Select); coding-DNA position 3816, C replaced by T.
Protein change: p.Arg1272=; no amino-acid change (arginine 1272 retained).
Molecular consequence: synonymous variant.
Genome position (GRCh38, 1-based): chr18:23,532,223, G>A on the plus strand (C>T on the coding strand, the complement: NPC1 is on the minus strand). VCF-style: chr18-23532223-G-A. GRCh37 (hg19) VCF-style: chr18-21112187-G-A.
Identifiers: ClinVar variation 593992 (VCV000593992.24), dbSNP rs375797728, ClinGen allele CA8912631.
Genomic context (GRCh38, chr18:23,532,223, plus strand): 5'-CCCTTAGACACAGTTCAGTCAGGATGCCCTGCGAGAGGGCTAGAAATTTAGAAGCCGTTC[G>A]CGCTCTGTTCCTTTGTATCGCTCTTCAGTGGCACAACTTTTGGCTTTATTTACTGATGGC-3'
Protein context (NP_000262.2, residues 1262-1278): ATEERYKGTE[Arg1272=]ERLLNF